The following is an entry in ClinVar:

NM_014679.5(CEP57):c.1154T>C (p.Ile385Thr)

Gene: CEP57 (centrosomal protein 57; plus strand). Cytogenetic location: 11q21.
Variant type: single nucleotide variant.
Coding change: c.1154T>C on transcript NM_014679.5 (MANE Select); coding-DNA position 1154, T replaced by C.
Protein change: p.Ile385Thr; replaces isoleucine 385 with threonine.
Molecular consequence: missense variant.
Genome position (GRCh38, 1-based): chr11:95,829,213, T>C. VCF-style: chr11-95829213-T-C. GRCh37 (hg19) VCF-style: chr11-95562377-T-C.
Other names: c.1127T>C, p.Ile376Thr (NM_001243776.2); c.1076T>C, p.Ile359Thr (NM_001243777.2); c.1073T>C, p.Ile358Thr (NM_001363604.2); c.1154T>C (NM_014679.4); short protein forms I376T, I358T, I359T, I385T.
Identifiers: ClinVar variation 3708043 (VCV003708043.3).
Genomic context (GRCh38, chr11:95,829,213, plus strand): 5'-ACTTAACCATGTTCTACTTCTGCTTTGTATATAGTGATCACCAGCAGCTTGCAAAACTTA[T>C]CCAGGAGTCGCCAACCGTTGAACTGAAAGACAAGTTGGAGTGTGAATTGGAGGCATTAGT-3'
Protein context (NP_055494.2, residues 375-395): SFDHQQLAKL[Ile385Thr]QESPTVELKD

ClinVar aggregate classification (germline): Uncertain significance. Review status: criteria provided, multiple submitters, no conflicts (2 of 4 stars). 2 submissions from 2 submitters: Uncertain significance (2). Last evaluated 2025-07-03.

Conditions:
Inborn genetic diseases. Identifiers: MedGen C0950123, MeSH D030342.
Mosaic variegated aneuploidy syndrome 2 (MVA2). Identifiers: Orphanet 1052, MedGen C3279843, MONDO:0013582, OMIM 614114.

gnomAD v4.1: 9 of 1,614,022 alleles (0.00056%); highest among the groups gnomAD compares: South Asian, 0.0044%; no homozygotes.

Submissions (2):

Ambry Genetics
Classification: Uncertain significance for Inborn genetic diseases. Last evaluated: 2025-07-03. Review status: criteria provided, single submitter. Criteria: Ambry Variant Classification Scheme 2023. Collection method: clinical testing. Allele origin: germline.
Comment: The p.I385T variant (also known as c.1154T>C), located in coding exon 10 of the CEP57 gene, results from a T to C substitution at nucleotide position 1154. The isoleucine at codon 385 is replaced by threonine, an amino acid with similar properties. This amino acid position is conserved. In addition, this alteration is predicted to be tolerated by in silico analysis. Based on the available evidence, the clinical significance of this variant remains unclear.

Labcorp Genetics (formerly Invitae), Labcorp
Classification: Uncertain significance for Mosaic variegated aneuploidy syndrome 2. Last evaluated: 2025-01-12. Review status: criteria provided, single submitter. Criteria: Invitae Variant Classification Sherloc (09022015). Collection method: clinical testing. Allele origin: germline.
Comment: This sequence change replaces isoleucine, which is neutral and non-polar, with threonine, which is neutral and polar, at codon 385 of the CEP57 protein (p.Ile385Thr). This variant is present in population databases (no rsID available, gnomAD 0.003%). This variant has not been reported in the literature in individuals affected with CEP57-related conditions. Invitae Evidence Modeling of protein sequence and biophysical properties (such as structural, functional, and spatial information, amino acid conservation, physicochemical variation, residue mobility, and thermodynamic stability) indicates that this missense variant is expected to disrupt CEP57 protein function with a positive predictive value of 80%. In summary, the available evidence is currently insufficient to determine the role of this variant in disease. Therefore, it has been classified as a Variant of Uncertain Significance.